The following is an entry in ClinVar:

NM_001370466.1(NOD2):c.623G>A (p.Arg208His)

Gene: NOD2 (nucleotide binding oligomerization domain containing 2; plus strand). Cytogenetic location: 16q12.1.
Variant type: single nucleotide variant.
Coding change: c.623G>A on transcript NM_001370466.1 (MANE Select); coding-DNA position 623, G replaced by A.
Protein change: p.Arg208His; replaces arginine 208 with histidine.
Molecular consequence: missense variant. On other transcripts: non-coding transcript variant (1).
Genome position (GRCh38, 1-based): chr16:50,710,615, G>A. VCF-style: chr16-50710615-G-A. GRCh37 (hg19) VCF-style: chr16-50744526-G-A.
Other names: c.704G>A, p.Arg235His (NM_022162.3); c.623G>A, p.Arg208His (NM_001293557.2); short protein forms R208H, R235H.
Identifiers: ClinVar variation 1493599 (VCV001493599.6), dbSNP rs201790577, ClinGen allele CA8051379.
Genomic context (GRCh38, chr16:50,710,615, plus strand): 5'-CAGCTGCCACATGCAAGAAGTATATGGCCAAGCTGAGGACCACGGTGTCTGCTCAGTCTC[G>A]CTTCCTCAGTACCTATGATGGAGCAGAGACGCTCTGCCTGGAGGACATATACACAGAGAA-3'
Protein context (NP_001357395.1, residues 198-218): KLRTTVSAQS[Arg208His]FLSTYDGAET

ClinVar aggregate classification (germline): Uncertain significance (1 of 4 stars; one submission).

Conditions:
Blau syndrome (BLAUS). Also called: ARTHROCUTANEOUVEAL GRANULOMATOSIS; GRANULOMATOSIS, FAMILIAL JUVENILE SYSTEMIC; GRANULOMATOSIS, FAMILIAL, BLAU TYPE; GRANULOMATOUS INFLAMMATORY ARTHRITIS, DERMATITIS, AND UVEITIS, FAMILIAL; JABS SYNDROME. Identifiers: Orphanet 90340, MedGen C5201146, MONDO:0008523, OMIM 186580.
Regional enteritis. Also called: Enteritis, Granulomatous. Identifiers: MedGen C0678202, MeSH D003424.

Allele frequency attached by ClinVar (database versions not stated): gnomAD 0.00007.
gnomAD v4.1: 32 of 1,614,028 alleles (0.002%); highest among the groups gnomAD compares: African/African-American, 0.012%; no homozygotes.

Submission:

Labcorp Genetics (formerly Invitae), Labcorp
Classification: Uncertain significance for Regional enteritis; Blau syndrome. Last evaluated: 2025-12-10. Review status: criteria provided, single submitter. Criteria: Invitae Variant Classification Sherloc (09022015). Collection method: clinical testing. Allele origin: germline.
Comment: This sequence change replaces arginine, which is basic and polar, with histidine, which is basic and polar, at codon 235 of the NOD2 protein (p.Arg235His). This variant is present in population databases (rs201790577, gnomAD 0.008%). This variant has not been reported in the literature in individuals affected with NOD2-related conditions. ClinVar contains an entry for this variant (Variation ID: 1493599). Invitae Evidence Modeling of protein sequence and biophysical properties (such as structural, functional, and spatial information, amino acid conservation, physicochemical variation, residue mobility, and thermodynamic stability) indicates that this missense variant is not expected to disrupt NOD2 protein function with a negative predictive value of 95%. In summary, the available evidence is currently insufficient to determine the role of this variant in disease. Therefore, it has been classified as a Variant of Uncertain Significance.